The following is an entry in ClinVar:

NM_003872.3(NRP2):c.1756C>T (p.Arg586Trp)

Gene: NRP2 (neuropilin 2; plus strand). Cytogenetic location: 2q33.3.
Variant type: single nucleotide variant.
Coding change: c.1756C>T on transcript NM_003872.3 (MANE Select); coding-DNA position 1756, C replaced by T.
Protein change: p.Arg586Trp; replaces arginine 586 with tryptophan.
Molecular consequence: missense variant.
Genome position (GRCh38, 1-based): chr2:205,745,860, C>T. VCF-style: chr2-205745860-C-T. GRCh37 (hg19) VCF-style: chr2-206610584-C-T.
Other names: c.1756C>T, p.Arg586Trp (NM_018534.4, NM_201266.2, NM_201267.2 and 1 more transcripts); short protein forms R586W.
Identifiers: ClinVar variation 4996800 (VCV004996800.1).
Genomic context (GRCh38, chr2:205,745,860, plus strand): 5'-ATTCCGGCACAGTATGTGCGGGTATACCCGGAGAGGTGGTCGCCGGCGGGGATTGGGATG[C>T]GGCTGGAGGTGCTGGGCTGTGACTGGACAGGTAAGATGACATTTCCTCCTCTTTGCATCT-3'
Protein context (NP_003863.2, residues 576-596): ERWSPAGIGM[Arg586Trp]LEVLGCDWTD

ClinVar aggregate classification (germline): Uncertain significance (1 of 4 stars; one submission).

Conditions:
NRP2-related disorder. Also called: NRP2-related condition.

gnomAD v4.1: 12 of 1,614,026 alleles (0.00074%); highest among the groups gnomAD compares: South Asian, 0.0022%; no homozygotes.

Submission:

PreventionGenetics, part of Exact Sciences
Classification: Uncertain significance for NRP2-related condition. Last evaluated: 2025-05-26. Review status: criteria provided, single submitter. Criteria: ACMG Guidelines, 2015. Collection method: clinical testing. Allele origin: germline.
Comment: The NRP2 c.1756C>T variant is predicted to result in the amino acid substitution p.Arg586Trp. To our knowledge, this variant has not been reported in the literature. This variant is reported in 0.0065% of alleles in individuals of South Asian descent in gnomAD. At this time, the clinical significance of this variant is uncertain due to the absence of conclusive functional and genetic evidence.